The following is an entry in ClinVar:

NM_017849.4(TMEM127):c.88A>G (p.Ser30Gly)

Genes: TMEM127 (transmembrane protein 127; minus strand), LOC129934333 (ATAC-STARR-seq lymphoblastoid silent region 11759; plus strand). Cytogenetic location: 2q11.2.
Variant type: single nucleotide variant.
Coding change: c.88A>G on transcript NM_017849.4 (MANE Select); coding-DNA position 88, A replaced by G.
Protein change: p.Ser30Gly; replaces serine 30 with glycine.
Molecular consequence: missense variant.
Genome position (GRCh38, 1-based): chr2:96,265,294, T>C on the plus strand (A>G on the coding strand, the complement: TMEM127 is on the minus strand). VCF-style: chr2-96265294-T-C. GRCh37 (hg19) VCF-style: chr2-96931032-T-C.
Other names: c.88A>G, p.Ser30Gly (NM_001193304.3); short protein forms S30G.
Identifiers: ClinVar variation 405201 (VCV000405201.22), dbSNP rs763476625, ClinGen allele CA16611134.

ClinVar aggregate classification (germline): Conflicting classifications of pathogenicity. Review status: criteria provided, conflicting classifications (1 of 4 stars). 8 submissions from 8 submitters: Uncertain significance (5); Likely benign (3). Last evaluated 2026-07-28.

Conditions:
Hereditary pheochromocytoma and paraganglioma. Also called: Hereditary Paraganglioma-Pheochromocytoma Syndromes; Hereditary paragangliomas and pheochromocytomas; Hereditary pheochromocytoma-paraganglioma. Identifiers: Orphanet 29072, MedGen C4274332, MONDO:0017366.
Pheochromocytoma. Also called: MAX-Related Hereditary Paraganglioma-Pheochromocytoma Syndrome. Identifiers: Orphanet 29072, MedGen C0031511, MONDO:0008233, OMIM 171300, HP:0002666.
Hereditary cancer-predisposing syndrome. Also called: Hereditary Cancer Syndrome; Hereditary neoplastic syndrome; Neoplastic Syndromes, Hereditary; Tumor predisposition. Identifiers: Orphanet 140162, MedGen C0027672, MeSH D009386, MONDO:0015356.
TMEM127-related disorder. Also called: TMEM127-related condition.

Allele frequency attached by ClinVar (database versions not stated): gnomAD exomes 0.00006 and 0.00035; TOPMed 0.00007; gnomAD 0.00009 and 0.00010.
gnomAD v4.1: 497 of 1,552,786 alleles (0.032%); highest among the groups gnomAD compares: Non-Finnish European, 0.042%; no homozygotes.

Submissions (8):

Myriad Genetics, Inc.
Classification: Likely benign for Hereditary pheochromocytoma and paraganglioma. Last evaluated: 2026-07-28. Review status: criteria provided, single submitter. Criteria: Myriad Autosomal Dominant, Autosomal Recessive and X-Linked Classification Criteria (2023). Collection method: clinical testing. Allele origin: unknown.
Comment: This variant is considered likely benign. This variant has been observed at a population frequency that is significantly greater than expected given the associated disease prevalence and penetrance.

PreventionGenetics, part of Exact Sciences
Classification: Uncertain significance for TMEM127-related condition. Last evaluated: 2026-07-07. Review status: criteria provided, single submitter. Criteria: ACMG Guidelines, 2015. Collection method: clinical testing. Allele origin: germline.
Comment: The TMEM127 c.88A>G variant is predicted to result in the amino acid substitution p.Ser30Gly. To our knowledge, this variant has not been reported in the literature. This variant is reported in 0.016% of alleles in individuals of European (Non-Finnish) descent in gnomAD. This variant is reported in ClinVar with conflicting interpretations of likely benign and uncertain (Variation ID: 405201). At this time, the clinical significance of this variant is uncertain due to the absence of conclusive functional and genetic evidence.

Labcorp Genetics (formerly Invitae), Labcorp
Classification: Uncertain significance for Hereditary pheochromocytoma and paraganglioma. Last evaluated: 2026-01-11. Review status: criteria provided, single submitter. Criteria: Invitae Variant Classification Sherloc (09022015). Collection method: clinical testing. Allele origin: germline.
Comment: This sequence change replaces serine, which is neutral and polar, with glycine, which is neutral and non-polar, at codon 30 of the TMEM127 protein (p.Ser30Gly). This variant is present in population databases (rs763476625, gnomAD 0.02%). This variant has not been reported in the literature in individuals affected with TMEM127-related conditions. ClinVar contains an entry for this variant (Variation ID: 405201). An algorithm developed to predict the effect of missense changes on protein structure and function (PolyPhen-2) suggests that this variant is likely to be disruptive. In summary, the available evidence is currently insufficient to determine the role of this variant in disease. Therefore, it has been classified as a Variant of Uncertain Significance.

Quest Diagnostics Nichols Institute San Juan Capistrano
Classification: Likely benign. Last evaluated: 2025-09-12. Review status: criteria provided, single submitter. Criteria: Quest Diagnostics criteria. Collection method: clinical testing. Allele origin: unknown.

GeneDx
Classification: Uncertain significance. Last evaluated: 2024-07-23. Review status: criteria provided, single submitter. Criteria: GeneDx Variant Classification Process June 2021. Collection method: clinical testing. Allele origin: germline.
Comment: In silico analysis indicates that this missense variant does not alter protein structure/function; Has not been previously published as pathogenic or benign to our knowledge

Baylor Genetics
Classification: Uncertain significance for Pheochromocytoma. Last evaluated: 2024-02-15. Review status: criteria provided, single submitter. Criteria: ACMG Guidelines, 2015. Collection method: clinical testing. Allele origin: unknown.

Sema4
Classification: Uncertain significance for Hereditary cancer-predisposing syndrome. Last evaluated: 2022-03-16. Review status: criteria provided, single submitter. Criteria: Sema4 Curation Guidelines. Collection method: curation. Allele origin: germline.
Comment: The TMEM127 c.88A>G (p.S30G) variant has not been reported in the literature to our knowledge. It was observed in 12/76458 chromosomes of the Non-Finnish European subpopulation, with no homozygotes, in the large and broad cohorts of the Genome Aggregation Database (PMID: 32461654). This variant has been reported in ClinVar (Variation ID 405201). Functional studies have not been performed, and in silico predictions of the variant's effect on protein function are inconclusive. The evidence is insufficient to meet ACMG/AMP criteria for classifying the variant as benign or pathogenic. Thus, the clinical significance of this variant is currently uncertain.

Ambry Genetics
Classification: Likely benign for Hereditary cancer-predisposing syndrome. Last evaluated: 2020-04-09. Review status: criteria provided, single submitter. Criteria: Ambry Variant Classification Scheme 2023. Collection method: clinical testing. Allele origin: germline.